The following is an entry in ClinVar:

NM_014989.7(RIMS1):c.423G>A (p.Ala141=)

Gene: RIMS1 (regulating synaptic membrane exocytosis 1; plus strand). Cytogenetic location: 6q13.
Variant type: single nucleotide variant.
Coding change: c.423G>A on transcript NM_014989.7 (MANE Select); coding-DNA position 423, G replaced by A.
Protein change: p.Ala141=; no amino-acid change (alanine 141 retained).
Molecular consequence: synonymous variant.
Genome position (GRCh38, 1-based): chr6:72,097,126, G>A. VCF-style: chr6-72097126-G-A. GRCh37 (hg19) VCF-style: chr6-72806829-G-A.
Other names: c.420G>A, p.Ala140= (NM_001350411.1); c.342G>A, p.Ala114= (NM_001350412.1); c.423G>A, p.Ala141= (NM_001350413.1).
Identifiers: ClinVar variation 908248 (VCV000908248.16), dbSNP rs377211296, ClinGen allele CA3885478.

ClinVar aggregate classification (germline): Likely benign. Review status: criteria provided, multiple submitters, no conflicts (2 of 4 stars). 3 submissions from 3 submitters: Likely benign (3). Last evaluated 2025-02-26.

Conditions:
Cone-rod dystrophy 7 (CORD7). Identifiers: Orphanet 1872, MedGen C1863634, MONDO:0011355, OMIM 603649.

Allele frequency attached by ClinVar (database versions not stated): ExAC 0.00002; gnomAD exomes 0.00002 and 0.00003; TOPMed 0.00003; gnomAD 0.00006 and 0.00007; ESP Exome Variant Server 0.00008; 1000 Genomes Project 30x 0.00016; 1000 Genomes Project 0.00020.
gnomAD v4.1: 48 of 1,613,970 alleles (0.003%); highest among the groups gnomAD compares: Admixed American, 0.0067%; no homozygotes.

Submissions (3):

Labcorp Genetics (formerly Invitae), Labcorp
Classification: Likely benign. Last evaluated: 2025-02-26. Review status: criteria provided, single submitter. Criteria: Invitae Variant Classification Sherloc (09022015). Collection method: clinical testing. Allele origin: germline.

Blueprint Genetics
Classification: Likely benign. Last evaluated: 2024-09-06. Review status: criteria provided, single submitter. Criteria: ACMG Guidelines, 2015. Collection method: clinical testing. Allele origin: germline.

Illumina Laboratory Services, Illumina
Classification: Likely benign for Cone-rod dystrophy 7. Last evaluated: 2018-01-12. Review status: criteria provided, single submitter. Criteria: ICSL Variant Classification Criteria 13 December 2019. Collection method: clinical testing. Allele origin: germline.
Comment: This variant was observed in the ICSL laboratory as part of a predisposition screen in an ostensibly healthy population. It had not been previously curated by ICSL or reported in the Human Gene Mutation Database (HGMD: prior to June 1st, 2018), and was therefore a candidate for classification through an automated scoring system. Utilizing variant allele frequency, disease prevalence and penetrance estimates, and inheritance mode, an automated score was calculated to assess if this variant is too frequent to cause the disease. Based on the score and internal cut-off values, a variant classified as likely benign is not then subjected to further curation. The score for this variant resulted in a classification of likely benign for this disease.